The following is an entry in ClinVar:

NM_021922.3(FANCE):c.1582A>C (p.Lys528Gln)

Gene: FANCE (FA complementation group E; plus strand). Cytogenetic location: 6p21.31.
Variant type: single nucleotide variant.
Coding change: c.1582A>C on transcript NM_021922.3 (MANE Select); coding-DNA position 1582, A replaced by C.
Protein change: p.Lys528Gln; replaces lysine 528 with glutamine.
Molecular consequence: missense variant.
Genome position (GRCh38, 1-based): chr6:35,466,316, A>C. VCF-style: chr6-35466316-A-C. GRCh37 (hg19) VCF-style: chr6-35434093-A-C.
Other names: short protein forms K528Q.
Identifiers: ClinVar variation 471922 (VCV000471922.8), dbSNP rs767896075, ClinGen allele CA3771758.

ClinVar aggregate classification (germline): Uncertain significance (1 of 4 stars; one submission).

Conditions:
Fanconi anemia complementation group E (FANCE). Also called: FANCE-Related Fanconi Anemia. Identifiers: Orphanet 84, MedGen C3160739, MONDO:0010953, OMIM 600901.

Allele frequency attached by ClinVar (database versions not stated): gnomAD exomes below 0.00001; ExAC 0.00001.

Submission:

Labcorp Genetics (formerly Invitae), Labcorp
Classification: Uncertain significance for Fanconi anemia complementation group E. Last evaluated: 2017-07-11. Review status: criteria provided, single submitter. Criteria: Invitae Variant Classification Sherloc (09022015). Collection method: clinical testing. Allele origin: germline.
Comment: This sequence change replaces lysine with glutamine at codon 528 of the FANCE protein (p.Lys528Gln). The lysine residue is weakly conserved and there is a small physicochemical difference between lysine and glutamine. This variant is present in population databases (rs767896075, ExAC 0.01%). This variant has not been reported in the literature in individuals with FANCE-related disease. Algorithms developed to predict the effect of missense changes on protein structure and function output the following: SIFT: "Tolerated"; PolyPhen-2: "Benign"; Align-GVGD: "Class C0". The glutamine amino acid residue is found in multiple mammalian species, suggesting that this missense change does not adversely affect protein function. These predictions have not been confirmed by published functional studies and their clinical significance is uncertain. In summary, the available evidence is currently insufficient to determine the role of this variant in disease. Therefore, it has been classified as a Variant of Uncertain Significance.